The following is an entry in ClinVar:

ClinVar aggregate classification (germline): Uncertain significance. Review status: criteria provided, multiple submitters, no conflicts (2 of 4 stars). 3 submissions from 3 submitters: Uncertain significance (3). Last evaluated 2026-06-17.

Conditions:
Cardiovascular phenotype. Identifiers: MedGen CN230736.
Catecholaminergic polymorphic ventricular tachycardia 2. Also called: VENTRICULAR TACHYCARDIA, STRESS-INDUCED POLYMORPHIC 2; CASQ2-Related Catecholaminergic Polymorphic Ventricular Tachycardia. Identifiers: Orphanet 3286, MedGen C2677794, MONDO:0012762, OMIM 611938.
Catecholaminergic polymorphic ventricular tachycardia 1. Also called: VENTRICULAR TACHYCARDIA, STRESS-INDUCED POLYMORPHIC 1; VENTRICULAR TACHYCARDIA, CATECHOLAMINERGIC POLYMORPHIC, 1, WITH OR WITHOUT ATRIAL DYSFUNCTION AND/OR DILATED CARDIOMYOPATHY; RYR2-Related Catecholaminergic Polymorphic Ventricular Tachycardia. Identifiers: Orphanet 3286, MedGen C1631597, MONDO:0011484, OMIM 604772.

Allele frequency attached by ClinVar (database versions not stated): ExAC 0.00002; gnomAD exomes 0.00001.

Submissions (3):

Ambry Genetics
Classification: Uncertain significance for Cardiovascular phenotype. Last evaluated: 2026-06-17. Review status: criteria provided, single submitter. Criteria: Ambry Variant Classification Scheme 2023. Collection method: clinical testing. Allele origin: germline.

Genome-Nilou Lab
Classification: Uncertain significance for Catecholaminergic polymorphic ventricular tachycardia 2. Last evaluated: 2023-04-11. Review status: criteria provided, single submitter. Criteria: ACMG Guidelines, 2015. Collection method: clinical testing. Allele origin: germline. Affected: no.

Labcorp Genetics (formerly Invitae), Labcorp
Classification: Uncertain significance for Catecholaminergic polymorphic ventricular tachycardia 1. Last evaluated: 2022-02-12. Review status: criteria provided, single submitter. Criteria: Invitae Variant Classification Sherloc (09022015). Collection method: clinical testing. Allele origin: germline.
Comment: This sequence change replaces alanine, which is neutral and non-polar, with proline, which is neutral and non-polar, at codon 157 of the CASQ2 protein (p.Ala157Pro). This variant is present in population databases (rs779063209, gnomAD 0.003%). This variant has not been reported in the literature in individuals affected with CASQ2-related conditions. ClinVar contains an entry for this variant (Variation ID: 1024111). Algorithms developed to predict the effect of missense changes on protein structure and function are either unavailable or do not agree on the potential impact of this missense change (SIFT: "Tolerated"; PolyPhen-2: "Probably Damaging"; Align-GVGD: "Class C0"). In summary, the available evidence is currently insufficient to determine the role of this variant in disease. Therefore, it has been classified as a Variant of Uncertain Significance.

NM_001232.4(CASQ2):c.469G>C (p.Ala157Pro)

Gene: CASQ2 (calsequestrin 2; minus strand). Cytogenetic location: 1p13.1.
Variant type: single nucleotide variant.
Coding change: c.469G>C on transcript NM_001232.4 (MANE Select); coding-DNA position 469, G replaced by C.
Protein change: p.Ala157Pro; replaces alanine 157 with proline.
Molecular consequence: missense variant.
Genome position (GRCh38, 1-based): chr1:115,738,287, C>G on the plus strand (G>C on the coding strand, the complement: CASQ2 is on the minus strand). VCF-style: chr1-115738287-C-G. GRCh37 (hg19) VCF-style: chr1-116280908-C-G.
Other names: short protein forms A157P.
Identifiers: ClinVar variation 1024111 (VCV001024111.11), dbSNP rs779063209, ClinGen allele CA1023903.